The following is an entry in ClinVar:

NM_001020658.2(PUM1):c.59C>T (p.Pro20Leu)

Gene: PUM1 (pumilio RNA binding family member 1; minus strand). Cytogenetic location: 1p35.2.
Variant type: single nucleotide variant.
Coding change: c.59C>T on transcript NM_001020658.2 (MANE Select); coding-DNA position 59, C replaced by T.
Protein change: p.Pro20Leu; replaces proline 20 with leucine.
Molecular consequence: missense variant.
Genome position (GRCh38, 1-based): chr1:31,059,508, G>A on the plus strand (C>T on the coding strand, the complement: PUM1 is on the minus strand). VCF-style: chr1-31059508-G-A. GRCh37 (hg19) VCF-style: chr1-31532355-G-A.
Other names: c.59C>T, p.Pro20Leu (NM_014676.3); short protein forms P20L.
Identifiers: ClinVar variation 4077232 (VCV004077232.1).

ClinVar aggregate classification (germline): Uncertain significance (1 of 4 stars; one submission).

Submission:

GeneDx
Classification: Uncertain significance. Last evaluated: 2025-02-27. Review status: criteria provided, single submitter. Criteria: GeneDx Variant Classification Process June 2021. Collection method: clinical testing. Allele origin: germline. Affected: yes.
Comment: Has not been previously published as pathogenic or benign to our knowledge; Not observed at significant frequency in large population cohorts (gnomAD); In silico analysis supports that this missense variant has a deleterious effect on protein structure/function